The following is an entry in ClinVar:

ClinVar aggregate classification (germline): Uncertain significance. Review status: criteria provided, multiple submitters, no conflicts (2 of 4 stars). 2 submissions from 2 submitters: Uncertain significance (2). Last evaluated 2025-12-28.

Conditions:
Inborn genetic diseases. Identifiers: MedGen C0950123, MeSH D030342.

Allele frequency attached by ClinVar (database versions not stated): gnomAD exomes below 0.00001; ExAC 0.00001.
gnomAD v4.1: 2 of 1,614,088 alleles (0.00012%); highest among the groups gnomAD compares: East Asian, 0.0022%; no homozygotes.

Submissions (2):

Labcorp Genetics (formerly Invitae), Labcorp
Classification: Uncertain significance. Last evaluated: 2025-12-28. Review status: criteria provided, single submitter. Criteria: Invitae Variant Classification Sherloc (09022015). Collection method: clinical testing. Allele origin: germline.
Comment: This sequence change replaces alanine, which is neutral and non-polar, with threonine, which is neutral and polar, at codon 3035 of the VCAN protein (p.Ala3035Thr). This variant is present in population databases (rs773443147, gnomAD 0.006%). This variant has not been reported in the literature in individuals affected with VCAN-related conditions. ClinVar contains an entry for this variant (Variation ID: 2890326). An algorithm developed to predict the effect of missense changes on protein structure and function outputs the following: PolyPhen-2: "Benign". The threonine amino acid residue is found in multiple mammalian species, which suggests that this missense change does not adversely affect protein function. In summary, the available evidence is currently insufficient to determine the role of this variant in disease. Therefore, it has been classified as a Variant of Uncertain Significance.

Ambry Genetics
Classification: Uncertain significance for Inborn genetic diseases. Last evaluated: 2023-12-13. Review status: criteria provided, single submitter. Criteria: Ambry Variant Classification Scheme 2023. Collection method: clinical testing. Allele origin: germline.

NM_004385.5(VCAN):c.9103G>A (p.Ala3035Thr)

Genes: VCAN (versican; plus strand), VCAN-AS1 (VCAN antisense RNA 1; minus strand). Cytogenetic location: 5q14.3.
Variant type: single nucleotide variant.
Coding change: c.9103G>A on transcript NM_004385.5 (MANE Select); coding-DNA position 9103, G replaced by A.
Protein change: p.Ala3035Thr; replaces alanine 3035 with threonine.
Molecular consequence: missense variant. On other transcripts: intron variant (2).
Genome position (GRCh38, 1-based): chr5:83,542,106, G>A. VCF-style: chr5-83542106-G-A. GRCh37 (hg19) VCF-style: chr5-82837925-G-A.
Other names: c.9103G>A (NM_004385.4); c.6142G>A, p.Ala2048Thr (NM_001164097.2); c.4004-3431G>A (NM_001164098.2); c.1043-3431G>A (NM_001126336.3); short protein forms A3035T, A2048T.
Identifiers: ClinVar variation 2890326 (VCV002890326.4), dbSNP rs773443147, ClinGen allele CA3333915.